The following is an entry in ClinVar:

ClinVar aggregate classification (germline): Pathogenic (1 of 4 stars; one submission).

Submission:

CeGaT Center for Human Genetics Tuebingen
Classification: Pathogenic. Last evaluated: 2024-11-01. Review status: criteria provided, single submitter. Criteria: CeGaT Center For Human Genetics Tuebingen Variant Classification Criteria Version 2. Collection method: clinical testing. Allele origin: germline. Affected: yes. Observed: 1 variant allele.
Comment: CDKL5: PVS1, PM2, PS2:Moderate

NM_001323289.2(CDKL5):c.1813dup (p.Gln605fs)

Gene: CDKL5 (cyclin dependent kinase like 5; plus strand). Cytogenetic location: Xp22.13.
Variant type: Duplication.
Coding change: c.1813dup on transcript NM_001323289.2 (MANE Select); coding-DNA position 1813, one base duplicated (C; older notation c.1813dupC).
Protein change: p.Gln605fs; shifts the reading frame from glutamine 605.
Molecular consequence: frameshift variant.
Genome position (GRCh38, 1-based): chrX:18,604,737, C duplicated; the last of 3 consecutive C bases (chrX:18,604,735-18,604,737); duplicating any one gives the same sequence. VCF-style (leftmost placement, unchanged base first): chrX-18604734-T-TC. GRCh37 (hg19) VCF-style: chrX-18622854-T-TC.
Other names: c.1813dup, p.Gln605fs (NM_001037343.2, NM_003159.3); short protein forms Q605fs.
Identifiers: ClinVar variation 3390223 (VCV003390223.14).